The following is an entry in ClinVar:

NM_138711.6(PPARG):c.1140C>T (p.Ser380=)

Gene: PPARG (peroxisome proliferator activated receptor gamma; plus strand). Cytogenetic location: 3p25.2.
Variant type: single nucleotide variant.
Coding change: c.1140C>T on transcript NM_138711.6 (MANE Select); coding-DNA position 1140, C replaced by T.
Protein change: p.Ser380=; no amino-acid change (serine 380 retained).
Molecular consequence: synonymous variant. On other transcripts: intron variant (5).
Genome position (GRCh38, 1-based): chr3:12,417,114, C>T. VCF-style: chr3-12417114-C-T. GRCh37 (hg19) VCF-style: chr3-12458613-C-T.
Other names: c.1140C>T, p.Ser380= (NM_001354666.3, NM_001354667.3, NM_001374263.2 and 3 more transcripts); c.513C>T, p.Ser171= (NM_001354669.2); c.1230C>T, p.Ser410= (NM_015869.5); c.729+11033C>T (NM_001374261.3, NM_001374262.3, NM_001330615.4); c.653+11115C>T (NM_001374266.1); c.819+11033C>T (NM_001374265.1).
Identifiers: ClinVar variation 3048704 (VCV003048704.2), dbSNP rs148844673, ClinGen allele CA2258326.

ClinVar aggregate classification (germline): Likely benign (0 of 4 stars; one submission).

Conditions:
PPARG-related disorder. Also called: PPARG-related disorders; PPARG-related condition.

Allele frequency attached by ClinVar (database versions not stated): 1000 Genomes Project 30x 0.00016; 1000 Genomes Project 0.00020.
gnomAD v4.1: 37 of 1,614,014 alleles (0.0023%); highest among the groups gnomAD compares: South Asian, 0.02%; no homozygotes.

Submission:

PreventionGenetics, part of Exact Sciences
Classification: Likely benign for PPARG-related condition. Last evaluated: 2019-12-17. Review status: no assertion criteria provided. Collection method: clinical testing. Allele origin: germline.
Comment: This variant is classified as likely benign based on ACMG/AMP sequence variant interpretation guidelines (Richards et al. 2015 PMID: 25741868, with internal and published modifications).